The following is an entry in ClinVar:

ClinVar aggregate classification (germline): Uncertain significance (1 of 4 stars; one submission).

Conditions:
Hereditary cancer-predisposing syndrome. Also called: Tumor predisposition; Neoplastic Syndromes, Hereditary; Hereditary Cancer Syndrome; Hereditary neoplastic syndrome. Identifiers: Orphanet 140162, MedGen C0027672, MeSH D009386, MONDO:0015356.

Submission:

Ambry Genetics
Classification: Uncertain significance for Hereditary cancer-predisposing syndrome. Last evaluated: 2024-07-20. Review status: criteria provided, single submitter. Criteria: Ambry Variant Classification Scheme 2023. Collection method: clinical testing. Allele origin: germline.
Comment: The p.I175T variant (also known as c.524T>C), located in coding exon 3 of the FLCN gene, results from a T to C substitution at nucleotide position 524. The isoleucine at codon 175 is replaced by threonine, an amino acid with similar properties. This amino acid position is not well conserved in available vertebrate species. In addition, the in silico prediction for this alteration is inconclusive. Based on the available evidence, the clinical significance of this variant remains unclear.

NM_144997.7(FLCN):c.524T>C (p.Ile175Thr)

Gene: FLCN (folliculin; minus strand). Cytogenetic location: 17p11.2.
Variant type: single nucleotide variant.
Coding change: c.524T>C on transcript NM_144997.7 (MANE Select); coding-DNA position 524, T replaced by C.
Protein change: p.Ile175Thr; replaces isoleucine 175 with threonine.
Molecular consequence: missense variant.
Genome position (GRCh38, 1-based): chr17:17,224,016, A>G on the plus strand (T>C on the coding strand, the complement: FLCN is on the minus strand). VCF-style: chr17-17224016-A-G. GRCh37 (hg19) VCF-style: chr17-17127330-A-G.
Other names: c.578T>C, p.Ile193Thr (NM_001353229.2); c.524T>C, p.Ile175Thr (NM_001353230.2, NM_001353231.2, NM_144606.7); short protein forms I175T, I193T.
Identifiers: ClinVar variation 3515618 (VCV003515618.1).